The following is an entry in ClinVar:

ClinVar aggregate classification (germline): Uncertain significance. Review status: criteria provided, multiple submitters, no conflicts (2 of 4 stars). 3 submissions from 3 submitters: Uncertain significance (3). Last evaluated 2025-06-25.

Conditions:
Inborn genetic diseases. Identifiers: MedGen C0950123, MeSH D030342.
LAMB2-related infantile-onset nephrotic syndrome. Also called: Nephrotic Syndrome, type 5; NEPHROTIC SYNDROME, TYPE 5, WITHOUT OCULAR ABNORMALITIES; NEPHROTIC SYNDROME, TYPE 5, WITH OCULAR ABNORMALITIES. Identifiers: Orphanet 306507, MedGen C3280113, MONDO:0013621, OMIM 614199.
Pierson syndrome. Also called: MICROCORIA-CONGENITAL NEPHROTIC SYNDROME. Identifiers: Orphanet 2670, MedGen C1836876, MONDO:0012184, OMIM 609049.

Allele frequency attached by ClinVar (database versions not stated): gnomAD exomes 0.00001; gnomAD 0.00002 and 0.00003; TOPMed 0.00004; ESP Exome Variant Server 0.00008.
gnomAD v4.1: 58 of 1,614,068 alleles (0.0036%); highest among the groups gnomAD compares: Middle Eastern, 0.016%; no homozygotes.

Submissions (3):

Ambry Genetics
Classification: Uncertain significance for Inborn genetic diseases. Last evaluated: 2025-06-25. Review status: criteria provided, single submitter. Criteria: Ambry Variant Classification Scheme 2023. Collection method: clinical testing. Allele origin: germline.

GeneDx
Classification: Uncertain significance. Last evaluated: 2024-03-04. Review status: criteria provided, single submitter. Criteria: GeneDx Variant Classification Process June 2021. Collection method: clinical testing. Allele origin: germline. Affected: yes.
Comment: In silico analysis supports that this missense variant has a deleterious effect on protein structure/function; Has not been previously published as pathogenic or benign to our knowledge

Labcorp Genetics (formerly Invitae), Labcorp
Classification: Uncertain significance for LAMB2-related infantile-onset nephrotic syndrome; Pierson syndrome. Last evaluated: 2022-07-25. Review status: criteria provided, single submitter. Criteria: Invitae Variant Classification Sherloc (09022015). Collection method: clinical testing. Allele origin: germline.
Comment: This sequence change replaces arginine, which is basic and polar, with glutamine, which is neutral and polar, at codon 1365 of the LAMB2 protein (p.Arg1365Gln). This variant is present in population databases (rs375964293, gnomAD 0.006%). This variant has not been reported in the literature in individuals affected with LAMB2-related conditions. ClinVar contains an entry for this variant (Variation ID: 1379453). Algorithms developed to predict the effect of missense changes on protein structure and function (SIFT, PolyPhen-2, Align-GVGD) all suggest that this variant is likely to be disruptive. In summary, the available evidence is currently insufficient to determine the role of this variant in disease. Therefore, it has been classified as a Variant of Uncertain Significance.

NM_002292.4(LAMB2):c.4094G>A (p.Arg1365Gln)

Gene: LAMB2 (laminin subunit beta 2; minus strand). Cytogenetic location: 3p21.31.
Variant type: single nucleotide variant.
Coding change: c.4094G>A on transcript NM_002292.4 (MANE Select); coding-DNA position 4094, G replaced by A.
Protein change: p.Arg1365Gln; replaces arginine 1365 with glutamine.
Molecular consequence: missense variant.
Genome position (GRCh38, 1-based): chr3:49,123,262, C>T on the plus strand (G>A on the coding strand, the complement: LAMB2 is on the minus strand). VCF-style: chr3-49123262-C-T. GRCh37 (hg19) VCF-style: chr3-49160695-C-T.
Other names: c.4094G>A (NM_002292.3); short protein forms R1365Q.
Identifiers: ClinVar variation 1379453 (VCV001379453.5), dbSNP rs375964293, ClinGen allele CA74477052.
Genomic context (GRCh38, chr3:49,123,262, plus strand): 5'-GCCATGTGTTTGCTGTTGAAGTCCTCCTTCTGAGCATCCATCAGTGCCTCTGTCCGATGC[C>T]GAGCACTTGCCGAGTTGCTCACAGGGCTAGGTACTGCCAGGGCTGAGGTATTGGCACGAC-3'
Protein context (NP_002283.3, residues 1355-1375): PSPVSNSASA[Arg1365Gln]HRTEALMDAQ